The following is an entry in ClinVar:

ClinVar aggregate classification (germline): Uncertain significance (1 of 4 stars; one submission).

Conditions:
Inborn genetic diseases. Identifiers: MedGen C0950123, MeSH D030342.

Allele frequency attached by ClinVar (database versions not stated): gnomAD exomes below 0.00001.
gnomAD v4.1: 1 of 1,614,200 alleles (0.000062%); highest among the groups gnomAD compares: African/African-American, 0.0013%; no homozygotes.

Submission:

Ambry Genetics
Classification: Uncertain significance for Inborn genetic diseases. Last evaluated: 2019-07-12. Review status: criteria provided, single submitter. Criteria: Ambry Variant Classification Scheme 2023. Collection method: clinical testing. Allele origin: germline.
Comment: The p.I434V variant (also known as c.1300A>G), located in coding exon 11 of the SCARB2 gene, results from an A to G substitution at nucleotide position 1300. The isoleucine at codon 434 is replaced by valine, an amino acid with highly similar properties. This amino acid position is not conserved however, valine is a reference amino acid in several species. In addition, this alteration is predicted to be tolerated by in silico analysis. Since supporting evidence is limited at this time, the clinical significance of this alteration remains unclear.

NM_005506.4(SCARB2):c.1300A>G (p.Ile434Val)

Gene: SCARB2 (scavenger receptor class B member 2; minus strand). Cytogenetic location: 4q21.1.
Variant type: single nucleotide variant.
Coding change: c.1300A>G on transcript NM_005506.4 (MANE Select); coding-DNA position 1300, A replaced by G.
Protein change: p.Ile434Val; replaces isoleucine 434 with valine.
Molecular consequence: missense variant.
Genome position (GRCh38, 1-based): chr4:76,163,323, T>C on the plus strand (A>G on the coding strand, the complement: SCARB2 is on the minus strand). VCF-style: chr4-76163323-T-C. GRCh37 (hg19) VCF-style: chr4-77084476-T-C.
Other names: c.871A>G, p.Ile291Val (NM_001204255.2); short protein forms I434V, I291V.
Identifiers: ClinVar variation 1769393 (VCV001769393.2), dbSNP rs753621410, ClinGen allele CA357313470.